The following is an entry in ClinVar:

ClinVar aggregate classification (germline): Benign/Likely benign. Review status: criteria provided, multiple submitters, no conflicts (2 of 4 stars). 2 submissions from 2 submitters: Benign (1); Likely benign (1). Last evaluated 2025-10-23.

Allele frequency attached by ClinVar (database versions not stated): gnomAD 0.00010; ExAC 0.00015; 1000 Genomes Project 30x 0.00016; gnomAD exomes 0.00016; TOPMed 0.00017; 1000 Genomes Project 0.00020.
gnomAD v4.1: 80 of 1,613,880 alleles (0.005%); highest among the groups gnomAD compares: East Asian, 0.15%; no homozygotes.

Submissions (2):

Labcorp Genetics (formerly Invitae), Labcorp
Classification: Benign. Last evaluated: 2025-10-23. Review status: criteria provided, single submitter. Criteria: Invitae Variant Classification Sherloc (09022015). Collection method: clinical testing. Allele origin: germline.

Mayo Clinic Laboratories, Mayo Clinic
Classification: Likely benign. Last evaluated: 2025-07-23. Review status: criteria provided, single submitter. Criteria: ACMG Guidelines, 2015. Collection method: clinical testing. Allele origin: germline. Observed: 1 variant allele.
Comment: BS1, BP4, BP7

NM_030667.3(PTPRO):c.3546+10T>C

Gene: PTPRO (protein tyrosine phosphatase receptor type O; plus strand). Cytogenetic location: 12p12.3.
Variant type: single nucleotide variant.
Coding change: c.3546+10T>C on transcript NM_030667.3 (MANE Select); 10 bases into the intron after coding-DNA position 3546, T replaced by C.
Molecular consequence: intron variant.
Genome position (GRCh38, 1-based): chr12:15,589,600, T>C. VCF-style: chr12-15589600-T-C. GRCh37 (hg19) VCF-style: chr12-15742534-T-C.
Other names: p.?; c.3462+10T>C (NM_002848.4); c.1113+10T>C (NM_030671.3, NM_030669.3); c.1029+10T>C (NM_030670.3, NM_030668.3).
Identifiers: ClinVar variation 731838 (VCV000731838.9), dbSNP rs200744599, ClinGen allele CA6467189.